The following is an entry in ClinVar:

NM_004415.4(DSP):c.423-9del

Gene: DSP (desmoplakin; plus strand). Cytogenetic location: 6p24.3.
Variant type: Deletion.
Coding change: c.423-9del on transcript NM_004415.4 (MANE Select); 9 bases into the intron before coding-DNA position 423, one base deleted (T; older notation c.423-9delT).
Molecular consequence: intron variant.
Genome position (GRCh38, 1-based): chr6:7,559,217, T deleted; the last of 7 consecutive T bases (chr6:7,559,211-7,559,217); deleting any one gives the same sequence. VCF-style (leftmost placement, unchanged base first): chr6-7559210-GT-G. GRCh37 (hg19) VCF-style: chr6-7559443-GT-G.
Other names: c.423-9del (NM_001319034.2, NM_001008844.3, NM_001406591.1).
Identifiers: ClinVar variation 3071603 (VCV003071603.1), dbSNP rs1554105896, ClinGen allele CA2677234109.

ClinVar aggregate classification (germline): Uncertain significance (1 of 4 stars; one submission).

Conditions:
Arrhythmogenic cardiomyopathy with wooly hair and keratoderma. Also called: PALMOPLANTAR KERATODERMA WITH LEFT VENTRICULAR CARDIOMYOPATHY AND WOOLLY HAIR; Carvajal syndrome; Dilated cardiomyopathy with woolly hair and keratoderma; Arrhythmogenic cardiomyopathy with woolly hair and keratoderma. Identifiers: Orphanet 65282, MedGen C1854063, MONDO:0011581, OMIM 605676.

Submission:

All of Us Research Program, National Institutes of Health
Classification: Uncertain significance for Arrhythmogenic cardiomyopathy with wooly hair and keratoderma. Last evaluated: 2023-06-08. Review status: criteria provided, single submitter. Criteria: ACMG Guidelines, 2015. Collection method: clinical testing. Allele origin: germline. Inheritance: Autosomal dominant inheritance. Observed: 1 variant allele, 1 heterozygote.
Comment: This variant causes the deletion of 1 nucleotide in intron 3 of the DSP gene. To our knowledge, functional studies have not been reported for this variant. This variant has not been reported in individuals affected with DSP-related disorders in the literature. This variant has not been identified in the general population by the Genome Aggregation Database (gnomAD). The available evidence is insufficient to determine the role of this variant in disease conclusively. Therefore, this variant is classified as a Variant of Uncertain Significance.

This study involves interpretation of variants in research participants for the purpose of population health screening. Participant phenotype was not available at the time of variant classification. Additional details can be found in publication PMID: 35346344, PMCID: PMC8962531